The following is an entry in ClinVar:

ClinVar aggregate classification (germline): Likely benign. Review status: reviewed by expert panel (3 of 4 stars). 7 submissions from 7 submitters: Likely benign (1). 6 of the submissions do not count toward it. Last evaluated 2025-10-22.

Conditions:
T-B+ severe combined immunodeficiency due to JAK3 deficiency. Also called: SCID, T CELL-NEGATIVE, B CELL-POSITIVE, NK CELL-NEGATIVE; SCID, autosomal recessive, T-negative/B-positive type. Identifiers: Orphanet 35078, MedGen C1833275, MONDO:0010938, OMIM 600802.

Allele frequency attached by ClinVar (database versions not stated): gnomAD exomes 0.00032 and 0.00065; ESP Exome Variant Server 0.00038; 1000 Genomes Project 0.00040; ExAC 0.00045; 1000 Genomes Project 30x 0.00047; gnomAD 0.00052 and 0.00056; TOPMed 0.00079.

Submissions (7):

ClinGen Severe Combined Immunodeficiency Variant Curation Expert Panel, ClinGen
Classification: Likely benign for T-B+ severe combined immunodeficiency due to JAK3 deficiency. Last evaluated: 2025-10-22. Review status: reviewed by expert panel. Criteria: ClinGen SCID ACMG Specifications JAK3 V2.1.0. Collection method: curation. Allele origin: germline. Inheritance: Autosomal recessive inheritance.
Comment: The c.2152G>C (NM_000215.4) variant in JAK3 is a missense variant predicted to cause the substitution of Valine by Leucine at amino acid 718 (p.Val718Leu). The Grpmax Filtering allele frequency of this variant is 0.00143165 in gnomAD v4.1.0, which is higher than the ClinGen SCID-VCEP threshold of BS1 (>0.00100) for JAK3, and therefore meets this criterion (BS1). 3 homozygotes have been observed in gnomAD v4.1.0. (BS2_supporting is met). To our knowledge, this variant has not been reported in the literature in individuals affected with JAK3-related conditions or in functional studies. In summary, this variant meets the criteria to be classified as Likely Benign for autosomal recessive T-B+ severe combined immunodeficiency due to JAK3 deficiency based on the ACMG/AMP criteria applied, as specified by the ClinGen SCID VCEP. Criteria applied: BS1 and BS2_supporting (VCEP specifications version 2.1).

Labcorp Genetics (formerly Invitae), Labcorp
Classification: Likely benign for T-B+ severe combined immunodeficiency due to JAK3 deficiency. Last evaluated: 2026-02-01. Review status: criteria provided, single submitter. Criteria: Invitae Variant Classification Sherloc (09022015). Collection method: clinical testing. Allele origin: germline. Not counted in ClinVar's aggregate classification.

Blueprint Genetics
Classification: Uncertain significance. Last evaluated: 2024-10-11. Review status: criteria provided, single submitter. Criteria: ACMG Guidelines, 2015. Collection method: clinical testing. Allele origin: germline. Not counted in ClinVar's aggregate classification.

Illumina Laboratory Services, Illumina
Classification: Uncertain significance for T-B+ severe combined immunodeficiency due to JAK3 deficiency. Last evaluated: 2018-01-13. Review status: criteria provided, single submitter. Criteria: ICSL Variant Classification Criteria 13 December 2019. Collection method: clinical testing. Allele origin: germline. Not counted in ClinVar's aggregate classification.

Clinical Genetics DNA and cytogenetics Diagnostics Lab, Erasmus MC, Erasmus Medical Center
Classification: Likely benign for T-B+ severe combined immunodeficiency due to JAK3 deficiency. Last evaluated: 2017-07-05. Review status: criteria provided, single submitter. Criteria: ACGS Guidelines, 2013. Collection method: clinical testing. Allele origin: germline. Affected: yes. Study: VKGL Data-share Consensus. Not counted in ClinVar's aggregate classification.

Genome Diagnostics Laboratory, University Medical Center Utrecht
Classification: Likely benign for T-B+ severe combined immunodeficiency due to JAK3 deficiency. Last evaluated: 2014-10-09. Review status: criteria provided, single submitter. Criteria: ACGS Guidelines, 2013. Collection method: clinical testing. Allele origin: germline. Affected: yes. Study: VKGL Data-share Consensus. Not counted in ClinVar's aggregate classification.

ITMI
No classification provided. Condition: AllHighlyPenetrant. Last evaluated: 2013-09-19. Review status: no classification provided. Collection method: reference population. Allele origin: germline. Not counted in ClinVar's aggregate classification.
Comment: Please see associated publication for description of ethnicities

Literature cited by the submitters: PubMed 24728327 (cited by ITMI).

NM_000215.4(JAK3):c.2152G>C (p.Val718Leu)

Gene: JAK3 (Janus kinase 3; minus strand). Cytogenetic location: 19p13.11.
Variant type: single nucleotide variant.
Coding change: c.2152G>C on transcript NM_000215.4 (MANE Select); coding-DNA position 2152, G replaced by C.
Protein change: p.Val718Leu; replaces valine 718 with leucine.
Molecular consequence: missense variant.
Genome position (GRCh38, 1-based): chr19:17,834,899, C>G on the plus strand (G>C on the coding strand, the complement: JAK3 is on the minus strand). VCF-style: chr19-17834899-C-G. GRCh37 (hg19) VCF-style: chr19-17945708-C-G.
Other names: NM_000215.4(JAK3):c.2152G>C; p.Val718Leu; short protein forms V718L.
Identifiers: ClinVar variation 134572 (VCV000134572.19), dbSNP rs146837396, ClinGen allele CA160222.